The following is an entry in ClinVar:

ClinVar aggregate classification (germline): Benign. Review status: criteria provided, single submitter (1 of 4 stars). 2 submissions from 2 submitters: Benign (1). 1 of the submissions does not count toward it. Last evaluated 2018-06-26.

Conditions:
KCNQ1-related disorder. Also called: KCNQ1-related condition; KCNQ1-related disorders. Identifiers: MedGen CN239322.

Allele frequency attached by ClinVar (database versions not stated): gnomAD exomes 0.00491; 1000 Genomes Project 0.03654; gnomAD 0.03658 and 0.03937; 1000 Genomes Project 30x 0.04029; TOPMed 0.04238.
gnomAD v4.1: 7,594 of 540,246 alleles (1.4%); highest among the groups gnomAD compares: African/African-American, 12%; 425 homozygotes.

Submissions (2):

GeneDx
Classification: Benign. Last evaluated: 2018-06-26. Review status: criteria provided, single submitter. Criteria: GeneDx Variant Classification Process June 2021. Collection method: clinical testing. Allele origin: germline. Affected: yes.

PreventionGenetics, part of Exact Sciences
Classification: Benign for KCNQ1-related condition. Last evaluated: 2019-12-24. Review status: no assertion criteria provided. Collection method: clinical testing. Allele origin: germline. Not counted in ClinVar's aggregate classification.
Comment: This variant is classified as benign based on ACMG/AMP sequence variant interpretation guidelines (Richards et al. 2015 PMID: 25741868, with internal and published modifications).

NM_000218.3(KCNQ1):c.1514+291C>G

Genes: KCNQ1 (potassium voltage-gated channel subfamily Q member 1; plus strand), KCNQ1OT1 (KCNQ1 opposite strand/antisense transcript 1; minus strand). Cytogenetic location: 11p15.5.
Variant type: single nucleotide variant.
Coding change: c.1514+291C>G on transcript NM_000218.3 (MANE Select); 291 bases into the intron after coding-DNA position 1514, C replaced by G.
Molecular consequence: intron variant.
Genome position (GRCh38, 1-based): chr11:2,662,372, C>G. VCF-style: chr11-2662372-C-G. GRCh37 (hg19) VCF-style: chr11-2683602-C-G.
Other names: c.1244+291C>G (NM_001406837.1); c.1418+291C>G (NM_001406836.1); c.974+291C>G (NM_001406838.1); c.1133+291C>G (NM_181798.2); c.1514+291C>G (NM_000218.2).
Identifiers: ClinVar variation 1264940 (VCV001264940.6), dbSNP rs113193765, ClinGen allele CA216171253.